The following is an entry in ClinVar:

ClinVar aggregate classification (germline): Uncertain significance (1 of 4 stars; one submission).

Conditions:
Hereditary cancer-predisposing syndrome. Also called: Neoplastic Syndromes, Hereditary; Tumor predisposition; Hereditary Cancer Syndrome; Hereditary neoplastic syndrome. Identifiers: Orphanet 140162, MedGen C0027672, MeSH D009386, MONDO:0015356.

Submission:

Ambry Genetics
Classification: Uncertain significance for Hereditary cancer-predisposing syndrome. Last evaluated: 2026-03-02. Review status: criteria provided, single submitter. Criteria: Ambry Variant Classification Scheme 2023. Collection method: clinical testing. Allele origin: germline.
Comment: The p.N179I variant (also known as c.536A>T), located in coding exon 5 of the SMARCB1 gene, results from an A to T substitution at nucleotide position 536. The asparagine at codon 179 is replaced by isoleucine, an amino acid with dissimilar properties. This amino acid position is conserved. In addition, this alteration is predicted to be deleterious by in silico analysis. Based on the available evidence, the clinical significance of this variant remains unclear.

NM_003073.5(SMARCB1):c.536A>T (p.Asn179Ile)

Gene: SMARCB1 (SWI/SNF related BAF chromatin remodeling complex subunit B1; plus strand). Cytogenetic location: 22q11.23.
Variant type: single nucleotide variant.
Coding change: c.536A>T on transcript NM_003073.5 (MANE Select); coding-DNA position 536, A replaced by T.
Protein change: p.Asn179Ile; replaces asparagine 179 with isoleucine.
Molecular consequence: missense variant.
Genome position (GRCh38, 1-based): chr22:23,803,330, A>T. VCF-style: chr22-23803330-A-T. GRCh37 (hg19) VCF-style: chr22-24145517-A-T.
Other names: c.509A>T, p.Asn170Ile (NM_001007468.3); c.563A>T, p.Asn188Ile (NM_001317946.2); c.590A>T, p.Asn197Ile (NM_001362877.2); short protein forms N188I, N170I, N179I, N197I.
Identifiers: ClinVar variation 4827213 (VCV004827213.1).